The following is an entry in ClinVar:

NM_031935.3(HMCN1):c.8284A>G (p.Ile2762Val)

Gene: HMCN1 (hemicentin 1; plus strand). Cytogenetic location: 1q31.1.
Variant type: single nucleotide variant.
Coding change: c.8284A>G on transcript NM_031935.3 (MANE Select); coding-DNA position 8284, A replaced by G.
Protein change: p.Ile2762Val; replaces isoleucine 2762 with valine.
Molecular consequence: missense variant.
Genome position (GRCh38, 1-based): chr1:186,074,885, A>G. VCF-style: chr1-186074885-A-G. GRCh37 (hg19) VCF-style: chr1-186044017-A-G.
Other names: short protein forms I2762V.
Identifiers: ClinVar variation 3652995 (VCV003652995.2).
Genomic context (GRCh38, chr1:186,074,885, plus strand): 5'-CGATATACTTGTGTAGCATCTAACATTGCAGGTGAAGATGAGTTGGATTTTGATGTGAAT[A>G]TTCAAGGTAATACTAATTGCTTATTGTATATAATGTAATTTATATGATCTTTCAAAGTAA-3'
Protein context (NP_114141.2, residues 2752-2772): GEDELDFDVN[Ile2762Val]QVPPSFQKLW

ClinVar aggregate classification (germline): Uncertain significance (1 of 4 stars; one submission).

Submission:

Labcorp Genetics (formerly Invitae), Labcorp
Classification: Uncertain significance. Last evaluated: 2024-05-10. Review status: criteria provided, single submitter. Criteria: Invitae Variant Classification Sherloc (09022015). Collection method: clinical testing. Allele origin: germline.
Comment: This sequence change replaces isoleucine, which is neutral and non-polar, with valine, which is neutral and non-polar, at codon 2762 of the HMCN1 protein (p.Ile2762Val). This variant is not present in population databases (gnomAD no frequency). This variant has not been reported in the literature in individuals affected with HMCN1-related conditions. An algorithm developed to predict the effect of missense changes on protein structure and function (PolyPhen-2) suggests that this variant is likely to be disruptive. In summary, the available evidence is currently insufficient to determine the role of this variant in disease. Therefore, it has been classified as a Variant of Uncertain Significance.